The following is an entry in ClinVar:

NM_015160.3(PMPCA):c.783G>T (p.Glu261Asp)

Genes: PMPCA (peptidase, mitochondrial processing subunit alpha; plus strand), LOC126860792 (CDK7 strongly-dependent group 2 enhancer GRCh37_chr9:139310410-139311609; plus strand). Cytogenetic location: 9q34.3.
Variant type: single nucleotide variant.
Coding change: c.783G>T on transcript NM_015160.3 (MANE Select); coding-DNA position 783, G replaced by T.
Protein change: p.Glu261Asp; replaces glutamic acid 261 with aspartic acid.
Molecular consequence: missense variant.
Genome position (GRCh38, 1-based): chr9:136,417,100, G>T. VCF-style: chr9-136417100-G-T. GRCh37 (hg19) VCF-style: chr9-139311552-G-T.
Other names: c.390G>T, p.Glu130Asp (NM_001282944.2); c.483G>T, p.Glu161Asp (NM_001282946.2); short protein forms E130D, E161D, E261D.
Identifiers: ClinVar variation 3027073 (VCV003027073.22), dbSNP rs1835301338, ClinGen allele CA375554430.

ClinVar aggregate classification (germline): Uncertain significance (1 of 4 stars; one submission).

Allele frequency attached by ClinVar (database versions not stated): gnomAD exomes below 0.00001.
gnomAD v4.1: 3 of 1,613,924 alleles (0.00019%); highest among the groups gnomAD compares: Non-Finnish European, 0.00017%; no homozygotes.

Submission:

CeGaT Center for Human Genetics Tuebingen
Classification: Uncertain significance. Last evaluated: 2024-02-01. Review status: criteria provided, single submitter. Criteria: CeGaT Center For Human Genetics Tuebingen Variant Classification Criteria Version 2. Collection method: clinical testing. Allele origin: germline. Affected: yes. Observed: 1 variant allele.
Comment: PMPCA: PM2, BP4